The following is an entry in ClinVar:

NM_033380.3(COL4A5):c.4747C>G (p.His1583Asp)

Gene: COL4A5 (collagen type IV alpha 5 chain; plus strand). Cytogenetic location: Xq22.3.
Variant type: single nucleotide variant.
Coding change: c.4747C>G on transcript NM_033380.3 (MANE Select); coding-DNA position 4747, C replaced by G.
Protein change: p.His1583Asp; replaces histidine 1583 with aspartic acid.
Molecular consequence: missense variant.
Genome position (GRCh38, 1-based): chrX:108,694,847, C>G. VCF-style: chrX-108694847-C-G. GRCh37 (hg19) VCF-style: chrX-107938077-C-G.
Other names: c.4729C>G, p.His1577Asp (NM_000495.5); short protein forms H1577D, H1583D.
Identifiers: ClinVar variation 2440322 (VCV002440322.6), dbSNP rs2524652108, ClinGen allele CA414132461.

ClinVar aggregate classification (germline): Uncertain significance. Review status: criteria provided, multiple submitters, no conflicts (2 of 4 stars). 2 submissions from 2 submitters: Uncertain significance (2). Last evaluated 2024-01-08.

Conditions:
X-linked Alport syndrome (ATS1). Also called: COL4A5-Related Nephropathy; NEPHROPATHY AND DEAFNESS, X-LINKED. Identifiers: Orphanet 63, Orphanet 88917, MedGen C4746986, MONDO:0010520, OMIM 301050.

Submissions (2):

Labcorp Genetics (formerly Invitae), Labcorp
Classification: Uncertain significance. Last evaluated: 2024-01-08. Review status: criteria provided, single submitter. Criteria: Invitae Variant Classification Sherloc (09022015). Collection method: clinical testing. Allele origin: germline.
Comment: This sequence change replaces histidine, which is basic and polar, with aspartic acid, which is acidic and polar, at codon 1577 of the COL4A5 protein (p.His1577Asp). This variant is not present in population databases (gnomAD no frequency). This variant has not been reported in the literature in individuals affected with COL4A5-related conditions. ClinVar contains an entry for this variant (Variation ID: 2440322). Advanced modeling of protein sequence and biophysical properties (such as structural, functional, and spatial information, amino acid conservation, physicochemical variation, residue mobility, and thermodynamic stability) performed at Invitae indicates that this missense variant is expected to disrupt COL4A5 protein function with a positive predictive value of 95%. In summary, the available evidence is currently insufficient to determine the role of this variant in disease. Therefore, it has been classified as a Variant of Uncertain Significance.

Revvity Omics, Revvity
Classification: Uncertain significance for X-linked Alport syndrome. Last evaluated: 2019-07-19. Review status: criteria provided, single submitter. Criteria: ACMG Guidelines, 2015. Collection method: clinical testing. Allele origin: germline.